The following is an entry in ClinVar:

ClinVar aggregate classification (germline): Benign/Likely benign. Review status: criteria provided, multiple submitters, no conflicts (2 of 4 stars). 4 submissions from 4 submitters: Benign (1); Likely benign (3). Last evaluated 2025-08-24.

Conditions:
Hereditary cancer-predisposing syndrome. Also called: Neoplastic Syndromes, Hereditary; Hereditary Cancer Syndrome; Hereditary neoplastic syndrome; Tumor predisposition. Identifiers: Orphanet 140162, MedGen C0027672, MeSH D009386, MONDO:0015356.
Hereditary diffuse gastric adenocarcinoma (HDGC). Also called: DIFFUSE GASTRIC AND LOBULAR BREAST CANCER SYNDROME. Identifiers: Orphanet 26106, MedGen C1708349, MONDO:0007648, OMIM 137215.

Submissions (4):

Labcorp Genetics (formerly Invitae), Labcorp
Classification: Likely benign for Hereditary diffuse gastric adenocarcinoma. Last evaluated: 2025-08-24. Review status: criteria provided, single submitter. Criteria: Invitae Variant Classification Sherloc (09022015). Collection method: clinical testing. Allele origin: germline.

Myriad Genetics, Inc.
Classification: Benign for Hereditary diffuse gastric adenocarcinoma. Last evaluated: 2024-09-13. Review status: criteria provided, single submitter. Criteria: Myriad Autosomal Dominant, Autosomal Recessive and X-Linked Classification Criteria (2023). Collection method: clinical testing. Allele origin: unknown.
Comment: This variant is considered benign. This variant is a silent/synonymous amino acid change and it is not expected to impact splicing.

GeneDx
Classification: Likely benign. Last evaluated: 2018-11-20. Review status: criteria provided, single submitter. Criteria: GeneDx Variant Classification Process June 2021. Collection method: clinical testing. Allele origin: germline. Affected: yes.

Ambry Genetics
Classification: Likely benign for Hereditary cancer-predisposing syndrome. Last evaluated: 2018-08-16. Review status: criteria provided, single submitter. Criteria: Ambry Variant Classification Scheme 2023. Collection method: clinical testing. Allele origin: germline.

NM_004360.5(CDH1):c.456G>A (p.Gln152=)

Gene: CDH1 (cadherin 1; plus strand). Cytogenetic location: 16q22.1.
Variant type: single nucleotide variant.
Coding change: c.456G>A on transcript NM_004360.5 (MANE Select); coding-DNA position 456, G replaced by A.
Protein change: p.Gln152=; no amino-acid change (glutamine 152 retained).
Molecular consequence: synonymous variant. On other transcripts: 5 prime UTR variant (2).
Genome position (GRCh38, 1-based): chr16:68,808,492, G>A. VCF-style: chr16-68808492-G-A. GRCh37 (hg19) VCF-style: chr16-68842395-G-A.
Other names: c.456G>A, p.Gln152= (NM_001317184.2); c.-1160G>A (NM_001317185.2); c.-1364G>A (NM_001317186.2).
Identifiers: ClinVar variation 825008 (VCV000825008.16), dbSNP rs745589555, ClinGen allele CA496392197.